The following is an entry in ClinVar:

ClinVar aggregate classification (germline): Uncertain significance. Review status: criteria provided, multiple submitters, no conflicts (2 of 4 stars). 3 submissions from 3 submitters: Uncertain significance (2). 1 of the submissions does not count toward it. Last evaluated 2025-07-02.

Conditions:
PTPRQ-related disorder. Also called: PTPRQ-related condition.

Allele frequency attached by ClinVar (database versions not stated): gnomAD exomes 0.00001; TOPMed 0.00002; gnomAD 0.00003; ExAC 0.00032; 1000 Genomes Project 30x 0.00047; 1000 Genomes Project 0.00060.
gnomAD v4.1: 43 of 1,550,710 alleles (0.0028%); highest among the groups gnomAD compares: East Asian, 0.024%; no homozygotes.

Submissions (3):

GeneDx
Classification: Uncertain significance. Last evaluated: 2025-07-02. Review status: criteria provided, single submitter. Criteria: GeneDx Variant Classification Process June 2021. Collection method: clinical testing. Allele origin: germline.
Comment: Identified in a patient with inner ear abnormalities and progressive hearing loss in published literature; a second PTPRQ variant was not identified (PMID: 33924653); In silico analysis supports that this missense variant has a deleterious effect on protein structure/function; This variant is associated with the following publications: (PMID: 33924653)

Blueprint Genetics
Classification: Uncertain significance. Last evaluated: 2022-02-18. Review status: criteria provided, single submitter. Criteria: ACMG Guidelines, 2015. Collection method: clinical testing. Allele origin: germline.

PreventionGenetics, part of Exact Sciences
Classification: Uncertain significance for PTPRQ-related condition. Last evaluated: 2024-07-15. Review status: no assertion criteria provided. Collection method: clinical testing. Allele origin: germline. Not counted in ClinVar's aggregate classification.
Comment: The PTPRQ c.6695T>C variant is predicted to result in the amino acid substitution p.Val2232Ala. This variant was reported in the heterozygous state in an individual with hearing loss and temporal bone anomalies (described as p.Val2060Ala, Santos-Cortez et al. 2021. PubMed ID: 33924653). This variant is reported in 0.092% of alleles in individuals of East Asian descent in gnomAD. At this time, the clinical significance of this variant is uncertain due to the absence of conclusive functional and genetic evidence.

NM_001145026.2(PTPRQ):c.6695T>C (p.Val2232Ala)

Gene: PTPRQ (protein tyrosine phosphatase receptor type Q; plus strand). Cytogenetic location: 12q21.31.
Variant type: single nucleotide variant.
Coding change: c.6695T>C on transcript NM_001145026.2 (MANE Select); coding-DNA position 6695, T replaced by C.
Protein change: p.Val2232Ala; replaces valine 2232 with alanine.
Molecular consequence: missense variant.
Genome position (GRCh38, 1-based): chr12:80,673,261, T>C. VCF-style: chr12-80673261-T-C. GRCh37 (hg19) VCF-style: chr12-81067040-T-C.
Other names: short protein forms V2232A.
Identifiers: ClinVar variation 2412902 (VCV002412902.5), dbSNP rs375150180, ClinGen allele CA6702988.